The following is an entry in ClinVar:

ClinVar aggregate classification (germline): Likely benign (1 of 4 stars; one submission).

Submission:

GeneDx
Classification: Likely benign. Last evaluated: 2016-05-02. Review status: criteria provided, single submitter. Criteria: GeneDx Variant Classification (06012015). Collection method: clinical testing. Allele origin: germline. Affected: yes.
Comment: This variant is considered likely benign or benign based on one or more of the following criteria: it is a conservative change, it occurs at a poorly conserved position in the protein, it is predicted to be benign by multiple in silico algorithms, and/or has population frequency not consistent with disease.

NM_000059.4(BRCA2):c.9993T>A (p.Ile3331=)

Gene: BRCA2 (BRCA2 DNA repair associated; plus strand). Cytogenetic location: 13q13.1.
Variant type: single nucleotide variant.
Coding change: c.9993T>A on transcript NM_000059.4 (MANE Select); coding-DNA position 9993, T replaced by A.
Protein change: p.Ile3331=; no amino-acid change (isoleucine 3331 retained).
Molecular consequence: synonymous variant.
Genome position (GRCh38, 1-based): chr13:32,398,506, T>A. VCF-style: chr13-32398506-T-A. GRCh37 (hg19) VCF-style: chr13-32972643-T-A.
Identifiers: ClinVar variation 385944 (VCV000385944.1), dbSNP rs1057522379, ClinGen allele CA16607503.